The following is an entry in ClinVar:

NM_198253.3(TERT):c.3227A>C (p.Gln1076Pro)

Gene: TERT (telomerase reverse transcriptase; minus strand). Cytogenetic location: 5p15.33.
Variant type: single nucleotide variant.
Coding change: c.3227A>C on transcript NM_198253.3 (MANE Select); coding-DNA position 3227, A replaced by C.
Protein change: p.Gln1076Pro; replaces glutamine 1076 with proline.
Molecular consequence: missense variant. On other transcripts: non-coding transcript variant (2).
Genome position (GRCh38, 1-based): chr5:1,254,436, T>G on the plus strand (A>C on the coding strand, the complement: TERT is on the minus strand). VCF-style: chr5-1254436-T-G. GRCh37 (hg19) VCF-style: chr5-1254551-T-G.
Other names: c.3038A>C, p.Gln1013Pro (NM_001193376.3); c.3227A>C, p.Gln1076Pro (NM_003219.1); short protein forms Q1013P, Q1076P.
Identifiers: ClinVar variation 3238601 (VCV003238601.1), dbSNP rs2478073882.
Genomic context (GRCh38, chr5:1,254,436, plus strand): 5'-AGTGACCCCAGGAGTGGCACGTAGGTGACACGGTGTCGAGTCAGCTTGAGCAGGAATGCT[T>G]GGTGGCACAGCCACTGCACGGCCTCGGAGGGCAGAGGGCCGGCGGCGCCCTTGGCCCCCA-3'
Protein context (NP_937983.2, residues 1066-1086): PSEAVQWLCH[Gln1076Pro]AFLLKLTRHR

ClinVar aggregate classification (germline): Uncertain significance (1 of 4 stars; one submission).

Conditions:
Dyskeratosis congenita. Identifiers: Orphanet 1775, MedGen C0265965, MONDO:0015780.

Submission:

Ambry Genetics
Classification: Uncertain significance for Dyskeratosis congenita. Last evaluated: 2024-02-25. Review status: criteria provided, single submitter. Criteria: Ambry Variant Classification Scheme 2023. Collection method: clinical testing. Allele origin: germline.
Comment: The p.Q1076P variant (also known as c.3227A>C), located in coding exon 15 of the TERT gene, results from an A to C substitution at nucleotide position 3227. The glutamine at codon 1076 is replaced by proline, an amino acid with similar properties. This amino acid position is conserved. In addition, the in silico prediction for this alteration is inconclusive. Based on the available evidence, the clinical significance of this alteration remains unclear.